The following is an entry in ClinVar:

NM_006437.4(PARP4):c.5040A>G (p.Glu1680=)

Gene: PARP4 (poly(ADP-ribose) polymerase family member 4; minus strand). Cytogenetic location: 13q12.12.
Variant type: single nucleotide variant.
Coding change: c.5040A>G on transcript NM_006437.4 (MANE Select); coding-DNA position 5040, A replaced by G.
Protein change: p.Glu1680=; no amino-acid change (glutamic acid 1680 retained).
Molecular consequence: synonymous variant.
Genome position (GRCh38, 1-based): chr13:24,421,254, T>C on the plus strand (A>G on the coding strand, the complement: PARP4 is on the minus strand). VCF-style: chr13-24421254-T-C. GRCh37 (hg19) VCF-style: chr13-24995392-T-C.
Identifiers: ClinVar variation 2643684 (VCV002643684.24), dbSNP rs199803145, ClinGen allele CA6914949.

ClinVar aggregate classification (germline): Likely benign (1 of 4 stars; one submission).

Allele frequency attached by ClinVar (database versions not stated): 1000 Genomes Project 0.00260; 1000 Genomes Project 30x 0.00265; gnomAD 0.00525; ExAC 0.00802; gnomAD exomes 0.00820.
gnomAD v4.1: 10,240 of 1,310,920 alleles (0.78%); highest among the groups gnomAD compares: Non-Finnish European, 0.93%; 34 homozygotes.

Submission:

CeGaT Center for Human Genetics Tuebingen
Classification: Likely benign. Last evaluated: 2024-04-01. Review status: criteria provided, single submitter. Criteria: CeGaT Center For Human Genetics Tuebingen Variant Classification Criteria Version 2. Collection method: clinical testing. Allele origin: germline. Affected: yes. Observed: 5 variant alleles.
Comment: PARP4: BP4, BP7, BS2